The following is an entry in ClinVar:

ClinVar aggregate classification (germline): Uncertain significance (1 of 4 stars; one submission).

Conditions:
Cardiovascular phenotype. Identifiers: MedGen CN230736.

Submission:

Ambry Genetics
Classification: Uncertain significance for Cardiovascular phenotype. Last evaluated: 2019-09-23. Review status: criteria provided, single submitter. Criteria: Ambry Variant Classification Scheme 2023. Collection method: clinical testing. Allele origin: germline.
Comment: The c.142delA variant, located in coding exon 2 of the NEXN gene, results from a deletion of one nucleotide at nucleotide position 142, causing a translational frameshift with a predicted alternate stop codon (p.R48Gfs*43). This alteration is expected to result in loss of function by premature protein truncation or nonsense-mediated mRNA decay. However, loss of function of NEXN has not been clearly established as a mechanism of disease. Since supporting evidence is limited at this time, the clinical significance of this alteration remains unclear.

NM_144573.4(NEXN):c.142del (p.Arg48fs)

Gene: NEXN (nexilin F-actin binding protein; plus strand). Cytogenetic location: 1p31.1.
Variant type: Deletion.
Coding change: c.142del on transcript NM_144573.4 (MANE Select); coding-DNA position 142, one base deleted (A; older notation c.142delA).
Protein change: p.Arg48fs; shifts the reading frame from arginine 48.
Molecular consequence: frameshift variant. On other transcripts: intron variant (1).
Genome position (GRCh38, 1-based): chr1:77,917,680, A deleted; the last of 3 consecutive A bases (chr1:77,917,678-77,917,680); deleting any one gives the same sequence. VCF-style (leftmost placement, unchanged base first): chr1-77917677-CA-C. GRCh37 (hg19) VCF-style: chr1-78383362-CA-C.
Other names: c.28-280del (NM_001172309.2); short protein forms R48fs.
Identifiers: ClinVar variation 1772467 (VCV001772467.2), dbSNP rs2526782355, ClinGen allele CA2580063254.